The following is an entry in ClinVar:

ClinVar aggregate classification (germline): Uncertain significance (0 of 4 stars; one submission).

Conditions:
PCNT-related disorder. Also called: PCNT-related condition.

gnomAD v4.1: 6 of 1,612,454 alleles (0.00037%); highest among the groups gnomAD compares: Non-Finnish European, 0.00042%; no homozygotes.

Submission:

PreventionGenetics, part of Exact Sciences
Classification: Uncertain significance for PCNT-related condition. Last evaluated: 2024-02-20. Review status: no assertion criteria provided. Collection method: clinical testing. Allele origin: germline.
Comment: The PCNT c.9604G>C variant is predicted to result in the amino acid substitution p.Val3202Leu. To our knowledge, this variant has not been reported in the literature or in a large population database, indicating this variant is rare. At this time, the clinical significance of this variant is uncertain due to the absence of conclusive functional and genetic evidence.

NM_006031.6(PCNT):c.9604G>C (p.Val3202Leu)

Gene: PCNT (pericentrin; plus strand). Cytogenetic location: 21q22.3.
Variant type: single nucleotide variant.
Coding change: c.9604G>C on transcript NM_006031.6 (MANE Select); coding-DNA position 9604, G replaced by C.
Protein change: p.Val3202Leu; replaces valine 3202 with leucine.
Molecular consequence: missense variant.
Genome position (GRCh38, 1-based): chr21:46,441,065, G>C. VCF-style: chr21-46441065-G-C. GRCh37 (hg19) VCF-style: chr21-47860978-G-C.
Other names: c.9013G>C, p.Val3005Leu (NM_001315529.2); short protein forms V3005L, V3202L.
Identifiers: ClinVar variation 3350166 (VCV003350166.1).